The following is an entry in ClinVar:

ClinVar aggregate classification (germline): Uncertain significance (1 of 4 stars; one submission).

Conditions:
Early-infantile DEE. Also called: Ohtahara syndrome; Early infantile epileptic encephalopathy; Early infantile epileptic encephalopathy with suppression bursts. Identifiers: Orphanet 1934, MedGen C0393706, MONDO:0800491.

Allele frequency attached by ClinVar (database versions not stated): gnomAD exomes below 0.00001.
gnomAD v4.1: 1 of 1,614,032 alleles (0.000062%); highest among the groups gnomAD compares: African/African-American, 0.0013%; no homozygotes.

Submission:

Labcorp Genetics (formerly Invitae), Labcorp
Classification: Uncertain significance for Early-infantile DEE. Last evaluated: 2023-07-25. Review status: criteria provided, single submitter. Criteria: Invitae Variant Classification Sherloc (09022015). Collection method: clinical testing. Allele origin: germline.
Comment: This sequence change replaces glutamine, which is neutral and polar, with glutamic acid, which is acidic and polar, at codon 694 of the ARHGEF15 protein (p.Gln694Glu). This variant is present in population databases (no rsID available, gnomAD 0.007%). In summary, the available evidence is currently insufficient to determine the role of this variant in disease. Therefore, it has been classified as a Variant of Uncertain Significance. Algorithms developed to predict the effect of sequence changes on RNA splicing suggest that this variant may disrupt the consensus splice site. An algorithm developed to predict the effect of missense changes on protein structure and function (PolyPhen-2) suggests that this variant is likely to be tolerated. ClinVar contains an entry for this variant (Variation ID: 1384216). This variant has not been reported in the literature in individuals affected with ARHGEF15-related conditions.

NM_173728.4(ARHGEF15):c.2080C>G (p.Gln694Glu)

Gene: ARHGEF15 (Rho guanine nucleotide exchange factor 15; plus strand). Cytogenetic location: 17p13.1.
Variant type: single nucleotide variant.
Coding change: c.2080C>G on transcript NM_173728.4 (MANE Select); coding-DNA position 2080, C replaced by G.
Protein change: p.Gln694Glu; replaces glutamine 694 with glutamic acid.
Molecular consequence: missense variant.
Genome position (GRCh38, 1-based): chr17:8,319,053, C>G. VCF-style: chr17-8319053-C-G. GRCh37 (hg19) VCF-style: chr17-8222371-C-G.
Other names: c.2080C>G, p.Gln694Glu (NM_025014.2); short protein forms Q694E.
Identifiers: ClinVar variation 1384216 (VCV001384216.7), dbSNP rs1270007788, ClinGen allele CA398024370.